The following is an entry in ClinVar:

ClinVar aggregate classification (germline): Uncertain significance (1 of 4 stars; one submission).

Conditions:
Hereditary cancer-predisposing syndrome. Also called: Neoplastic Syndromes, Hereditary; Tumor predisposition; Hereditary Cancer Syndrome; Hereditary neoplastic syndrome. Identifiers: Orphanet 140162, MedGen C0027672, MeSH D009386, MONDO:0015356.

Submission:

Ambry Genetics
Classification: Uncertain significance for Hereditary cancer-predisposing syndrome. Last evaluated: 2026-05-18. Review status: criteria provided, single submitter. Criteria: Ambry Variant Classification Scheme 2023. Collection method: clinical testing. Allele origin: germline.
Comment: The p.T1387S variant (also known as c.4159A>T), located in coding exon 28 of the ALK gene, results from an A to T substitution at nucleotide position 4159. The threonine at codon 1387 is replaced by serine, an amino acid with similar properties. This amino acid position is conserved. In addition, the in silico prediction for this alteration is inconclusive. Based on the available evidence, the clinical significance of this variant remains unclear.

NM_004304.5(ALK):c.4159A>T (p.Thr1387Ser)

Gene: ALK (ALK receptor tyrosine kinase; minus strand). Cytogenetic location: 2p23.2.
Variant type: single nucleotide variant.
Coding change: c.4159A>T on transcript NM_004304.5 (MANE Select); coding-DNA position 4159, A replaced by T.
Protein change: p.Thr1387Ser; replaces threonine 1387 with serine.
Molecular consequence: missense variant.
Genome position (GRCh38, 1-based): chr2:29,196,775, T>A on the plus strand (A>T on the coding strand, the complement: ALK is on the minus strand). VCF-style: chr2-29196775-T-A. GRCh37 (hg19) VCF-style: chr2-29419641-T-A.
Other names: c.955A>T, p.Thr319Ser (NM_001353765.2); short protein forms T1387S, T319S.
Identifiers: ClinVar variation 4869611 (VCV004869611.1).